The following is an entry in ClinVar:

NM_003791.4(MBTPS1):c.1192G>C (p.Val398Leu)

Gene: MBTPS1 (membrane bound transcription factor peptidase, site 1; minus strand). Cytogenetic location: 16q23.3.
Variant type: single nucleotide variant.
Coding change: c.1192G>C on transcript NM_003791.4 (MANE Select); coding-DNA position 1192, G replaced by C.
Protein change: p.Val398Leu; replaces valine 398 with leucine.
Molecular consequence: missense variant.
Genome position (GRCh38, 1-based): chr16:84,085,077, C>G on the plus strand (G>C on the coding strand, the complement: MBTPS1 is on the minus strand). VCF-style: chr16-84085077-C-G. GRCh37 (hg19) VCF-style: chr16-84118682-C-G.
Other names: short protein forms V398L.
Identifiers: ClinVar variation 1951632 (VCV001951632.5), dbSNP rs768811661, ClinGen allele CA8201417.

ClinVar aggregate classification (germline): Uncertain significance (1 of 4 stars; one submission).

gnomAD v4.1: 12 of 1,614,076 alleles (0.00074%); highest among the groups gnomAD compares: Admixed American, 0.0033%; no homozygotes.

Submission:

Labcorp Genetics (formerly Invitae), Labcorp
Classification: Uncertain significance. Last evaluated: 2022-02-24. Review status: criteria provided, single submitter. Criteria: Invitae Variant Classification Sherloc (09022015). Collection method: clinical testing. Allele origin: germline.
Comment: This sequence change replaces valine, which is neutral and non-polar, with leucine, which is neutral and non-polar, at codon 398 of the MBTPS1 protein (p.Val398Leu). This variant is present in population databases (rs768811661, gnomAD 0.006%). In summary, the available evidence is currently insufficient to determine the role of this variant in disease. Therefore, it has been classified as a Variant of Uncertain Significance. Algorithms developed to predict the effect of missense changes on protein structure and function are either unavailable or do not agree on the potential impact of this missense change (SIFT: "Deleterious"; PolyPhen-2: "Probably Damaging"; Align-GVGD: "Class C0"). This variant has not been reported in the literature in individuals affected with MBTPS1-related conditions.